The following is an entry in ClinVar:

ClinVar aggregate classification (germline): Conflicting classifications of pathogenicity. Review status: criteria provided, conflicting classifications (1 of 4 stars). 4 submissions from 4 submitters: Uncertain significance (3); Likely benign (1). Last evaluated 2025-06-10.

Conditions:
FUS-related disorder. Also called: FUS-related condition.
Tremor, hereditary essential, 4 (ETM4). Identifiers: MedGen C3539195, MONDO:0013888, OMIM 614782.
Amyotrophic lateral sclerosis type 6. Also called: Amyotrophic lateral sclerosis 6, with or without frontotemporal dementia; FUS-Related Amyotrophic Laterial Sclerosis; AMYOTROPHIC LATERAL SCLEROSIS 6 WITHOUT FRONTOTEMPORAL DEMENTIA. Identifiers: Orphanet 275872, Orphanet 803, MedGen C2931786, MONDO:0011951, OMIM 608030.

Allele frequency attached by ClinVar (database versions not stated): TOPMed 0.00003; gnomAD 0.00004 and 0.00003; gnomAD exomes 0.00007 and 0.00011; ESP Exome Variant Server 0.00008; ExAC 0.00014.
gnomAD v4.1: 110 of 1,614,072 alleles (0.0068%); highest among the groups gnomAD compares: South Asian, 0.057%; no homozygotes.

Submissions (4):

PreventionGenetics, part of Exact Sciences
Classification: Uncertain significance for FUS-related condition. Last evaluated: 2025-06-10. Review status: criteria provided, single submitter. Criteria: ACMG Guidelines, 2015. Collection method: clinical testing. Allele origin: germline.
Comment: The FUS c.1348C>T variant is predicted to result in the amino acid substitution p.Pro450Ser. To our knowledge, this variant has not been reported in individuals with FUS-related disease. This variant is reported in 0.062% of alleles in individuals of South Asian descent in gnomAD, which may be too frequent to be a primary cause of disease. Although we suspect that this variant may be benign, at this time, the clinical significance of this variant is uncertain due to the absence of conclusive functional and genetic evidence.

Women's Health and Genetics/Laboratory Corporation of America, LabCorp
Classification: Uncertain significance. Last evaluated: 2024-03-08. Review status: criteria provided, single submitter. Criteria: LabCorp Variant Classification Summary - May 2015. Collection method: clinical testing. Allele origin: germline.
Comment: Variant summary: FUS c.1348C>T (p.Pro450Ser) results in a non-conservative amino acid change located in the Zinc finger, RanBP2-type domain (IPR001876) of the encoded protein sequence. Three of five in-silico tools predict a damaging effect of the variant on protein function. The variant allele was found at a frequency of 0.00011 in 251410 control chromosomes. To our knowledge, no occurrence of c.1348C>T in individuals affected with FUS-Related Disorders and no experimental evidence demonstrating its impact on protein function have been reported. ClinVar contains an entry for this variant (Variation ID: 886474). Based on the evidence outlined above, the variant was classified as uncertain significance.

Labcorp Genetics (formerly Invitae), Labcorp
Classification: Uncertain significance for Tremor, hereditary essential, 4; Amyotrophic lateral sclerosis type 6. Last evaluated: 2023-08-04. Review status: criteria provided, single submitter. Criteria: Invitae Variant Classification Sherloc (09022015). Collection method: clinical testing. Allele origin: germline.
Comment: This sequence change replaces proline, which is neutral and non-polar, with serine, which is neutral and polar, at codon 450 of the FUS protein (p.Pro450Ser). This variant is present in population databases (rs201533156, gnomAD 0.06%), and has an allele count higher than expected for a pathogenic variant. This variant has not been reported in the literature in individuals affected with FUS-related conditions. ClinVar contains an entry for this variant (Variation ID: 886474). An algorithm developed to predict the effect of missense changes on protein structure and function (PolyPhen-2) suggests that this variant is likely to be disruptive. In summary, the available evidence is currently insufficient to determine the role of this variant in disease. Therefore, it has been classified as a Variant of Uncertain Significance.

Illumina Laboratory Services, Illumina
Classification: Likely benign for Amyotrophic lateral sclerosis type 6. Last evaluated: 2017-04-27. Review status: criteria provided, single submitter. Criteria: ICSL Variant Classification Criteria 13 December 2019. Collection method: clinical testing. Allele origin: germline.
Comment: This variant was observed as part of a predisposition screen in an ostensibly healthy population. A literature search was performed for the gene, cDNA change, and amino acid change (where applicable). Publications were found based on this search. The evidence from the literature, in combination with allele frequency data from public databases where available, was sufficient to determine this variant is unlikely to cause disease. Therefore, this variant is classified as likely benign.

Literature cited by the submitters: PubMed 25631824 (cited by Illumina Laboratory Services, Illumina).

NM_004960.4(FUS):c.1348C>T (p.Pro450Ser)

Gene: FUS (FUS RNA binding protein; plus strand). Cytogenetic location: 16p11.2.
Variant type: single nucleotide variant.
Coding change: c.1348C>T on transcript NM_004960.4 (MANE Select); coding-DNA position 1348, C replaced by T.
Protein change: p.Pro450Ser; replaces proline 450 with serine.
Molecular consequence: missense variant. On other transcripts: non-coding transcript variant (1).
Genome position (GRCh38, 1-based): chr16:31,190,797, C>T. VCF-style: chr16-31190797-C-T. GRCh37 (hg19) VCF-style: chr16-31202118-C-T.
Other names: c.1345C>T, p.Pro449Ser (NM_001170634.1); c.1336C>T, p.Pro446Ser (NM_001170937.1); short protein forms P450S, P449S, P446S.
Identifiers: ClinVar variation 886474 (VCV000886474.16), dbSNP rs201533156, ClinGen allele CA8024024.